The following is an entry in ClinVar:

NM_015175.3(NBEAL2):c.5278G>A (p.Ala1760Thr)

Gene: NBEAL2 (neurobeachin like 2; plus strand). Cytogenetic location: 3p21.31.
Variant type: single nucleotide variant.
Coding change: c.5278G>A on transcript NM_015175.3 (MANE Select); coding-DNA position 5278, G replaced by A.
Protein change: p.Ala1760Thr; replaces alanine 1760 with threonine.
Molecular consequence: missense variant.
Genome position (GRCh38, 1-based): chr3:47,002,497, G>A. VCF-style: chr3-47002497-G-A. GRCh37 (hg19) VCF-style: chr3-47043987-G-A.
Other names: c.5176G>A, p.Ala1726Thr (NM_001365116.2); short protein forms A1726T, A1760T.
Identifiers: ClinVar variation 2653739 (VCV002653739.24), dbSNP rs538047537, ClinGen allele CA352524380.

ClinVar aggregate classification (germline): Uncertain significance (1 of 4 stars; one submission).

Allele frequency attached by ClinVar (database versions not stated): gnomAD exomes 0.00001; TOPMed 0.00003.

Submission:

CeGaT Center for Human Genetics Tuebingen
Classification: Uncertain significance. Last evaluated: 2023-02-01. Review status: criteria provided, single submitter. Criteria: CeGaT Center For Human Genetics Tuebingen Variant Classification Criteria Version 2. Collection method: clinical testing. Allele origin: germline. Affected: yes. Observed: 1 variant allele.
Comment: NBEAL2: PM2, BP4